The following is an entry in ClinVar:

ClinVar aggregate classification (germline): Benign (1 of 4 stars; one submission).

Allele frequency attached by ClinVar (database versions not stated): 1000 Genomes Project 0.24521; 1000 Genomes Project 30x 0.25250; gnomAD exomes 0.30227; TOPMed 0.30629; gnomAD 0.31545 and 0.32245.
gnomAD v4.1: 206,021 of 676,824 alleles (30%); highest among the groups gnomAD compares: African/African-American, 37%; 33,340 homozygotes.

Submission:

GeneDx
Classification: Benign. Last evaluated: 2018-06-19. Review status: criteria provided, single submitter. Criteria: GeneDx Variant Classification (06012015). Collection method: clinical testing. Allele origin: germline. Affected: yes.
Comment: This variant is considered likely benign or benign based on one or more of the following criteria: it is a conservative change, it occurs at a poorly conserved position in the protein, it is predicted to be benign by multiple in silico algorithms, and/or has population frequency not consistent with disease.

NM_001349206.2(LPIN1):c.1549+133A>G

Gene: LPIN1 (lipin 1; plus strand). Cytogenetic location: 2p25.1.
Variant type: single nucleotide variant.
Coding change: c.1549+133A>G on transcript NM_001349206.2 (MANE Select); 133 bases into the intron after coding-DNA position 1549, A replaced by G.
Molecular consequence: intron variant.
Genome position (GRCh38, 1-based): chr2:11,785,209, A>G. VCF-style: chr2-11785209-A-G. GRCh37 (hg19) VCF-style: chr2-11925335-A-G.
Other names: c.1696+133A>G (NM_001261428.3); c.1588+133A>G (NM_001349208.2); c.1639+133A>G (NM_001349207.2); c.1459+133A>G (NM_001261427.3); c.1549+133A>G (NM_001349204.2, NM_001349205.2); c.1546+133A>G (NM_001349202.2, NM_001349203.2); c.1441+133A>G (NM_001349200.2, NM_001349199.2, NM_001349201.2 and 1 more transcripts).
Identifiers: ClinVar variation 683090 (VCV000683090.1), dbSNP rs13392363, ClinGen allele CA11000612.